The following is an entry in ClinVar:

NM_001376.5(DYNC1H1):c.11699C>T (p.Thr3900Ile)

Gene: DYNC1H1 (dynein cytoplasmic 1 heavy chain 1; plus strand). Cytogenetic location: 14q32.31.
Variant type: single nucleotide variant.
Coding change: c.11699C>T on transcript NM_001376.5 (MANE Select); coding-DNA position 11699, C replaced by T.
Protein change: p.Thr3900Ile; replaces threonine 3900 with isoleucine.
Molecular consequence: missense variant.
Genome position (GRCh38, 1-based): chr14:102,040,244, C>T. VCF-style: chr14-102040244-C-T. GRCh37 (hg19) VCF-style: chr14-102506581-C-T.
Other names: short protein forms T3900I.
Identifiers: ClinVar variation 3632153 (VCV003632153.2).
Genomic context (GRCh38, chr14:102,040,244, plus strand): 5'-ACAGTGGGAGTGAACGTGAGAGACCCTAGCTAACCTGTTGCACCCTTCGCAGGGAGCCCA[C>T]CTACGATGCAGAATTCCAGCACTTCTTGAGAGGAAATGAGATTGTCCTGAGTGCTGGCTC-3'
Protein context (NP_001367.2, residues 3890-3910): IKLKGTVGEP[Thr3900Ile]YDAEFQHFLR

ClinVar aggregate classification (germline): Uncertain significance (1 of 4 stars; one submission).

Conditions:
Charcot-Marie-Tooth disease axonal type 2O. Also called: CHARCOT-MARIE-TOOTH NEUROPATHY, AXONAL, TYPE 2O; CHARCOT-MARIE-TOOTH DISEASE, AXONAL, AUTOSOMAL DOMINANT, TYPE 2O; Charcot-Marie-Tooth Neuropathy Type 2O; Charcot-Marie-Tooth disease, axonal, type 20. Identifiers: Orphanet 284232, MedGen C3280220, MONDO:0013644, OMIM 614228.

Submission:

Labcorp Genetics (formerly Invitae), Labcorp
Classification: Uncertain significance for Charcot-Marie-Tooth disease axonal type 2O. Last evaluated: 2025-01-13. Review status: criteria provided, single submitter. Criteria: Invitae Variant Classification Sherloc (09022015). Collection method: clinical testing. Allele origin: germline.
Comment: This sequence change replaces threonine, which is neutral and polar, with isoleucine, which is neutral and non-polar, at codon 3900 of the DYNC1H1 protein (p.Thr3900Ile). This variant is not present in population databases (gnomAD no frequency). This variant has not been reported in the literature in individuals affected with DYNC1H1-related conditions. Invitae Evidence Modeling of protein sequence and biophysical properties (such as structural, functional, and spatial information, amino acid conservation, physicochemical variation, residue mobility, and thermodynamic stability) indicates that this missense variant is not expected to disrupt DYNC1H1 protein function with a negative predictive value of 95%. In summary, the available evidence is currently insufficient to determine the role of this variant in disease. Therefore, it has been classified as a Variant of Uncertain Significance.